The following is an entry in ClinVar:

NM_001085.5(SERPINA3):c.957G>A (p.Ser319=)

Gene: SERPINA3 (serpin family A member 3; plus strand). Cytogenetic location: 14q32.13.
Variant type: single nucleotide variant.
Coding change: c.957G>A on transcript NM_001085.5 (MANE Select); coding-DNA position 957, G replaced by A.
Protein change: p.Ser319=; no amino-acid change (serine 319 retained).
Molecular consequence: synonymous variant.
Genome position (GRCh38, 1-based): chr14:94,622,380, G>A. VCF-style: chr14-94622380-G-A. GRCh37 (hg19) VCF-style: chr14-95088717-G-A.
Other names: c.957G>A, p.Ser319= (NM_001384672.1, NM_001384673.1, NM_001384674.1).
Identifiers: ClinVar variation 3040753 (VCV003040753.2), dbSNP rs1227830345, ClinGen allele CA487625346.

ClinVar aggregate classification (germline): Likely benign (0 of 4 stars; one submission).

Conditions:
SERPINA3-related disorder. Also called: SERPINA3-related condition.

Allele frequency attached by ClinVar (database versions not stated): TOPMed 0.00001; gnomAD exomes 0.00002; gnomAD 0.00003.
gnomAD v4.1: 36 of 1,613,898 alleles (0.0022%); highest among the groups gnomAD compares: African/African-American, 0.0067%; no homozygotes.

Submission:

PreventionGenetics, part of Exact Sciences
Classification: Likely benign for SERPINA3-related condition. Last evaluated: 2019-10-29. Review status: no assertion criteria provided. Collection method: clinical testing. Allele origin: germline.
Comment: This variant is classified as likely benign based on ACMG/AMP sequence variant interpretation guidelines (Richards et al. 2015 PMID: 25741868, with internal and published modifications).